The following is an entry in ClinVar:

NM_007186.6(CEP250):c.6157C>T (p.His2053Tyr)

Gene: CEP250 (centrosomal protein 250; plus strand). Cytogenetic location: 20q11.22.
Variant type: single nucleotide variant.
Coding change: c.6157C>T on transcript NM_007186.6 (MANE Select); coding-DNA position 6157, C replaced by T.
Protein change: p.His2053Tyr; replaces histidine 2053 with tyrosine.
Molecular consequence: missense variant.
Genome position (GRCh38, 1-based): chr20:35,504,526, C>T. VCF-style: chr20-35504526-C-T. GRCh37 (hg19) VCF-style: chr20-34092354-C-T.
Other names: c.4261C>T, p.His1421Tyr (NM_001318219.1); c.6157C>T (NM_007186.5); short protein forms H1421Y, H2053Y.
Identifiers: ClinVar variation 1167415 (VCV001167415.11), dbSNP rs57577046, ClinGen allele CA9834012.

ClinVar aggregate classification (germline): Benign/Likely benign. Review status: criteria provided, multiple submitters, no conflicts (2 of 4 stars). 4 submissions from 4 submitters: Benign (2); Likely benign (1). 1 of the submissions does not count toward it. Last evaluated 2026-02-01.

Conditions:
CEP250-related disorder. Also called: CEP250-related condition.

Allele frequency attached by ClinVar (database versions not stated): gnomAD exomes 0.00042 and 0.00105; ExAC 0.00118; ESP Exome Variant Server 0.00369; 1000 Genomes Project 0.00399; gnomAD 0.00401 and 0.00434; TOPMed 0.00436; 1000 Genomes Project 30x 0.00453.
gnomAD v4.1: 1,258 of 1,613,948 alleles (0.078%); highest among the groups gnomAD compares: African/African-American, 1.3%; 10 homozygotes.

Submissions (4):

Labcorp Genetics (formerly Invitae), Labcorp
Classification: Benign. Last evaluated: 2026-02-01. Review status: criteria provided, single submitter. Criteria: Invitae Variant Classification Sherloc (09022015). Collection method: clinical testing. Allele origin: germline.

Blueprint Genetics
Classification: Likely benign. Last evaluated: 2024-10-24. Review status: criteria provided, single submitter. Criteria: ACMG Guidelines, 2015. Collection method: clinical testing. Allele origin: germline.

Breakthrough Genomics
Classification: Benign. Review status: criteria provided, single submitter. Criteria: ACMG Guidelines, 2015. Collection method: not provided. Allele origin: germline. Inheritance: Autosomal recessive inheritance. Affected: yes.

PreventionGenetics, part of Exact Sciences
Classification: Benign for CEP250-related condition. Last evaluated: 2019-10-16. Review status: no assertion criteria provided. Collection method: clinical testing. Allele origin: germline. Not counted in ClinVar's aggregate classification.
Comment: This variant is classified as benign based on ACMG/AMP sequence variant interpretation guidelines (Richards et al. 2015 PMID: 25741868, with internal and published modifications).